The following is an entry in ClinVar:

NM_000383.4(AIRE):c.1448C>G (p.Pro483Arg)

Gene: AIRE (autoimmune regulator; plus strand). Cytogenetic location: 21q22.3.
Variant type: single nucleotide variant.
Coding change: c.1448C>G on transcript NM_000383.4 (MANE Select); coding-DNA position 1448, C replaced by G.
Protein change: p.Pro483Arg; replaces proline 483 with arginine.
Molecular consequence: missense variant.
Genome position (GRCh38, 1-based): chr21:44,294,448, C>G. VCF-style: chr21-44294448-C-G. GRCh37 (hg19) VCF-style: chr21-45714331-C-G.
Other names: short protein forms P483R.
Identifiers: ClinVar variation 1514782 (VCV001514782.8), dbSNP rs2146385840, ClinGen allele CA410425937.

ClinVar aggregate classification (germline): Uncertain significance (1 of 4 stars; one submission).

Conditions:
Polyglandular autoimmune syndrome, type 1 (APS1). Also called: Autoimmune polyendocrinopathy syndrome , type I, with or without reversible metaphyseal dysplasia; HYPOADRENOCORTICISM WITH HYPOPARATHYROIDISM AND SUPERFICIAL MONILIASIS; Whitaker syndrome; Autoimmune polyendocrinopathy syndrome, type I; Autoimmune polyendocrine syndrome type 1; PGA I. Identifiers: Orphanet 3453, MedGen C0085859, MONDO:0009411, OMIM 240300.

Submission:

Labcorp Genetics (formerly Invitae), Labcorp
Classification: Uncertain significance for Polyglandular autoimmune syndrome, type 1. Last evaluated: 2024-08-13. Review status: criteria provided, single submitter. Criteria: Invitae Variant Classification Sherloc (09022015). Collection method: clinical testing. Allele origin: germline.
Comment: This sequence change replaces proline, which is neutral and non-polar, with arginine, which is basic and polar, at codon 483 of the AIRE protein (p.Pro483Arg). This variant is not present in population databases (gnomAD no frequency). This variant has not been reported in the literature in individuals affected with AIRE-related conditions. ClinVar contains an entry for this variant (Variation ID: 1514782). Advanced modeling of protein sequence and biophysical properties (such as structural, functional, and spatial information, amino acid conservation, physicochemical variation, residue mobility, and thermodynamic stability) performed at Invitae indicates that this missense variant is not expected to disrupt AIRE protein function with a negative predictive value of 95%. In summary, the available evidence is currently insufficient to determine the role of this variant in disease. Therefore, it has been classified as a Variant of Uncertain Significance.